The following is an entry in ClinVar:

ClinVar aggregate classification (germline): Uncertain significance (1 of 4 stars; one submission).

Conditions:
Microcephaly, normal intelligence and immunodeficiency (NBS). Also called: Nijmegen breakage syndrome; Microcephaly with normal intelligence immunodeficiency and lymphoreticular malignancies; Nonsyndromal microcephaly autosomal recessive with normal intelligence; Seemanova syndrome 2; BERLIN BREAKAGE SYNDROME; IMMUNODEFICIENCY, MICROCEPHALY, AND CHROMOSOMAL INSTABILITY. Identifiers: Orphanet 647, MedGen C0398791, MONDO:0009623, OMIM 251260.

Submission:

Labcorp Genetics (formerly Invitae), Labcorp
Classification: Uncertain significance for Microcephaly, normal intelligence and immunodeficiency. Last evaluated: 2023-03-02. Review status: criteria provided, single submitter. Criteria: Invitae Variant Classification Sherloc (09022015). Collection method: clinical testing. Allele origin: germline.
Comment: This sequence change replaces leucine, which is neutral and non-polar, with methionine, which is neutral and non-polar, at codon 4 of the NBN protein (p.Leu4Met). This variant is not present in population databases (gnomAD no frequency). This variant has not been reported in the literature in individuals affected with NBN-related conditions. An algorithm developed to predict the effect of missense changes on protein structure and function (PolyPhen-2) suggests that this variant is likely to be disruptive. In summary, the available evidence is currently insufficient to determine the role of this variant in disease. Therefore, it has been classified as a Variant of Uncertain Significance.

NM_002485.5(NBN):c.10C>A (p.Leu4Met)

Gene: NBN (nibrin; minus strand). Cytogenetic location: 8q21.3.
Variant type: single nucleotide variant.
Coding change: c.10C>A on transcript NM_002485.5 (MANE Select); coding-DNA position 10, C replaced by A.
Protein change: p.Leu4Met; replaces leucine 4 with methionine.
Molecular consequence: missense variant. On other transcripts: 5 prime UTR variant (1).
Genome position (GRCh38, 1-based): chr8:89,984,552, G>T on the plus strand (C>A on the coding strand, the complement: NBN is on the minus strand). VCF-style: chr8-89984552-G-T. GRCh37 (hg19) VCF-style: chr8-90996780-G-T.
Other names: c.-287C>A (NM_001024688.3); short protein forms L4M.
Identifiers: ClinVar variation 2842031 (VCV002842031.3), dbSNP rs1426394881, ClinGen allele CA371664199.
Genomic context (GRCh38, chr8:89,984,552, plus strand): 5'-AAATAGGCCCCGAGGCTTCCCTTCTGCCCTTACCTCCTGCCGGGCCCGCGGCGGGCAGCA[G>T]TTTCCACATCGGTCCGGCTCCTCAGGGCTGGGGCCGACGTGCAACCGCGTAACCGGGGCT-3'
Protein context (NP_002476.2, residues 1-14): MWK[Leu4Met]LPAAGPAGGE